The following is an entry in ClinVar:

ClinVar aggregate classification (germline): Uncertain significance. Review status: criteria provided, multiple submitters, no conflicts (2 of 4 stars). 2 submissions from 2 submitters: Uncertain significance (2). Last evaluated 2025-10-13.

Conditions:
Emery-Dreifuss muscular dystrophy 5, autosomal dominant (EDMD5). Also called: EMERY-DREIFUSS MUSCULAR DYSTROPHY 5. Identifiers: Orphanet 261, MedGen C2751805, MONDO:0013072, OMIM 612999.

Allele frequency attached by ClinVar (database versions not stated): gnomAD 0.00005 and 0.00007; TOPMed 0.00005; ExAC 0.00006; 1000 Genomes Project 30x 0.00047; 1000 Genomes Project 0.00060.
gnomAD v4.1: 35 of 1,613,756 alleles (0.0022%); highest among the groups gnomAD compares: African/African-American, 0.015%; no homozygotes.

Submissions (2):

Labcorp Genetics (formerly Invitae), Labcorp
Classification: Uncertain significance for Emery-Dreifuss muscular dystrophy 5, autosomal dominant. Last evaluated: 2025-10-13. Review status: criteria provided, single submitter. Criteria: Invitae Variant Classification Sherloc (09022015). Collection method: clinical testing. Allele origin: germline.
Comment: This sequence change replaces arginine, which is basic and polar, with glutamine, which is neutral and polar, at codon 6726 of the SYNE2 protein (p.Arg6726Gln). This variant is present in population databases (rs200847772, gnomAD 0.03%). This variant has not been reported in the literature in individuals affected with SYNE2-related conditions. ClinVar contains an entry for this variant (Variation ID: 956568). An algorithm developed to predict the effect of missense changes on protein structure and function outputs the following: PolyPhen-2: "Benign". The glutamine amino acid residue is found in multiple mammalian species, which suggests that this missense change does not adversely affect protein function. In summary, the available evidence is currently insufficient to determine the role of this variant in disease. Therefore, it has been classified as a Variant of Uncertain Significance.

Revvity Omics, Revvity
Classification: Uncertain significance for Emery-Dreifuss muscular dystrophy 5, autosomal dominant. Last evaluated: 2021-10-25. Review status: criteria provided, single submitter. Criteria: ACMG Guidelines, 2015. Collection method: clinical testing. Allele origin: germline.

NM_182914.3(SYNE2):c.20177G>A (p.Arg6726Gln)

Gene: SYNE2 (spectrin repeat containing nuclear envelope protein 2; plus strand). Cytogenetic location: 14q23.2.
Variant type: single nucleotide variant.
Coding change: c.20177G>A on transcript NM_182914.3 (MANE Select); coding-DNA position 20177, G replaced by A.
Protein change: p.Arg6726Gln; replaces arginine 6726 with glutamine.
Molecular consequence: missense variant.
Genome position (GRCh38, 1-based): chr14:64,221,691, G>A. VCF-style: chr14-64221691-G-A. GRCh37 (hg19) VCF-style: chr14-64688409-G-A.
Other names: c.20108G>A, p.Arg6703Gln (NM_015180.6); c.743G>A, p.Arg248Gln (NM_182910.2); c.1121G>A, p.Arg374Gln (NM_182913.4); short protein forms R248Q, R6726Q, R374Q, R6703Q.
Identifiers: ClinVar variation 956568 (VCV000956568.12), dbSNP rs200847772, ClinGen allele CA7224743.
Genomic context (GRCh38, chr14:64,221,691, plus strand): 5'-GGAGGCAGAAGGCTCATGTCACCGATCCAAAGGCAGACCCCCGGGCTCTCCTAGAGTGTC[G>A]GAGGGAACTAATGGTAAGTTTCCTCCCAAGGGCTCTGTACTGCCACCAGCCTCTGTCAGC-3'
Protein context (NP_878918.2, residues 6716-6736): KADPRALLEC[Arg6726Gln]RELMQLEKEL